The following is an entry in ClinVar:

ClinVar aggregate classification (germline): Uncertain significance (1 of 4 stars; one submission).

Conditions:
Cardiovascular phenotype. Identifiers: MedGen CN230736.

Submission:

Ambry Genetics
Classification: Uncertain significance for Cardiovascular phenotype. Last evaluated: 2026-07-09. Review status: criteria provided, single submitter. Criteria: Ambry Variant Classification Scheme 2023. Collection method: clinical testing. Allele origin: germline.
Comment: The p.G82R variant (also known as c.244G>C), located in coding exon 3 of the TRPM4 gene, results from a G to C substitution at nucleotide position 244. The glycine at codon 82 is replaced by arginine, an amino acid with dissimilar properties. This amino acid position is conserved. In addition, the in silico prediction for this alteration is inconclusive. Based on the available evidence, the clinical significance of this variant remains unclear.

NM_017636.4(TRPM4):c.244G>C (p.Gly82Arg)

Gene: TRPM4 (transient receptor potential cation channel subfamily M member 4; plus strand). Cytogenetic location: 19q13.33.
Variant type: single nucleotide variant.
Coding change: c.244G>C on transcript NM_017636.4 (MANE Select); coding-DNA position 244, G replaced by C.
Protein change: p.Gly82Arg; replaces glycine 82 with arginine.
Molecular consequence: missense variant. On other transcripts: 5 prime UTR variant (1), intron variant (2).
Genome position (GRCh38, 1-based): chr19:49,166,192, G>C. VCF-style: chr19-49166192-G-C. GRCh37 (hg19) VCF-style: chr19-49669449-G-C.
Other names: c.244G>C, p.Gly82Arg (NM_001195227.2, NM_001321281.2); c.-1129G>C (NM_001321282.2); c.-74-2068G>C (NM_001321283.2); c.-237-2361G>C (NM_001321285.2); short protein forms G82R.
Identifiers: ClinVar variation 5031151 (VCV005031151.1).
Genomic context (GRCh38, chr19:49,166,192, plus strand): 5'-GACAGCGATGCACACACCACGGAGAAGCCCACCGATGCCTACGGAGAGCTGGACTTCACG[G>C]GGGCCGGCCGCAAGCACAGCAATGTGAGGCGGGCCTCTGTGGGCGGGGCCCGGGCACCAG-3'
Protein context (NP_060106.2, residues 72-92): TDAYGELDFT[Gly82Arg]AGRKHSNFLR